The following is an entry in ClinVar:

NM_000552.5(VWF):c.5170+5G>A

Gene: VWF (von Willebrand factor; minus strand). Cytogenetic location: 12p13.31.
Variant type: single nucleotide variant.
Coding change: c.5170+5G>A on transcript NM_000552.5 (MANE Select); 5 bases into the intron after coding-DNA position 5170, G replaced by A.
Molecular consequence: intron variant.
Genome position (GRCh38, 1-based): chr12:6,016,749, C>T on the plus strand (G>A on the coding strand, the complement: VWF is on the minus strand). VCF-style: chr12-6016749-C-T. GRCh37 (hg19) VCF-style: chr12-6125915-C-T.
Other names: c.5170+5G>A (NM_000552.4).
Identifiers: ClinVar variation 627322 (VCV000627322.4), dbSNP rs1591860863, ClinGen allele CA915947836.
Genomic context (GRCh38, chr12:6,016,749, plus strand): 5'-AATCAAGTAGAGCCACAAAAAGAGCCTCTTCGTCACCTGCTGCTTCAGGTGCCTCGCTCA[C>T]CCACCTATATTGGCTTTTGAAATGAAAGCCTTGGCGAAACTCTTCATTTCATCAAAATAA-3'

ClinVar aggregate classification (germline): Uncertain significance. Review status: criteria provided, multiple submitters, no conflicts (2 of 4 stars). 3 submissions from 3 submitters: Uncertain significance (3). Last evaluated 2023-07-24.

Conditions:
Hereditary von Willebrand disease. Identifiers: Orphanet 903, MedGen C5703318, MONDO:0019565. Inheritance: Autosomal recessive or Autosomal dominant.
von Willebrand disease type 1 (VWD1). Also called: VON WILLEBRAND DISEASE, TYPE I; VWD, TYPE 1. Identifiers: Orphanet 166078, Orphanet 903, MedGen C1264039, MONDO:0008668, OMIM 193400. Inheritance: autosomal recessive or autosomal dominant.

Submissions (3):

Women's Health and Genetics/Laboratory Corporation of America, LabCorp
Classification: Uncertain significance. Last evaluated: 2023-07-24. Review status: criteria provided, single submitter. Criteria: LabCorp Variant Classification Summary - May 2015. Collection method: clinical testing. Allele origin: germline.
Comment: Variant summary: VWF c.5170+5G>A alters a conserved nucleotide located close to a canonical splice site and therefore could affect mRNA splicing, leading to a significantly altered protein sequence. Several computational tools predict a significant impact on normal splicing: Three predict the variant abolishes the canonical 5' splicing donor site, and two predict the variant abolishes a cryptic 5' donor site. However, these predictions have yet to be confirmed by functional studies. The variant was absent in 251478 control chromosomes. The available data on variant occurrences in the general population are insufficient to allow any conclusion about variant significance. c.5170+5G>A has been reported in the literature in an individual affected with a coagulation condition (Downes_2019); however, this report does not provide unequivocal conclusions about association of the variant with Von Willebrand Disease. To our knowledge, no experimental evidence demonstrating an impact on protein function has been reported. The following publication has been ascertained in the context of this evaluation (PMID: 31064749). Two submitters have cited clinical-significance assessments for this variant to ClinVar after 2014. All submitters classified the variant as uncertain significance. Based on the evidence outlined above, the variant was classified as uncertain significance.

Laboratory of Hematology, Radboud University Medical Center
Classification: Uncertain significance for von Willebrand disease type 1. Last evaluated: 2020-12-10. Review status: criteria provided, single submitter. Criteria: ACMG Guidelines, 2015. Collection method: research. Allele origin: germline. Affected: yes. Observed: 1 variant allele. Study: WIN study.

NIHR Bioresource Rare Diseases, University of Cambridge
Classification: Uncertain significance for von Willebrand disorder. Last evaluated: 2019-02-01. Review status: criteria provided, single submitter. Criteria: ACMG Guidelines, 2015. Collection method: research. Allele origin: unknown. Affected: yes. Observed: 1 compound heterozygote. Study: ThromboGenomics.

Literature cited by the submitters: PubMed 31064749 (cited by Women's Health and Genetics/Laboratory Corporation of America, LabCorp and NIHR Bioresource Rare Diseases, University of Cambridge).